The following is an entry in ClinVar:

NM_016580.4(PCDH12):c.2851G>A (p.Glu951Lys)

Genes: RNF14 (ring finger protein 14; plus strand), PCDH12 (protocadherin 12; minus strand). Cytogenetic location: 5q31.3.
Variant type: single nucleotide variant.
Coding change: c.2851G>A on transcript NM_016580.4 (MANE Select); coding-DNA position 2851, G replaced by A.
Protein change: p.Glu951Lys; replaces glutamic acid 951 with lysine.
Molecular consequence: missense variant.
Genome position (GRCh38, 1-based): chr5:141,955,001, C>T on the plus strand (G>A on the coding strand, the complement: PCDH12 is on the minus strand). VCF-style: chr5-141955001-C-T. GRCh37 (hg19) VCF-style: chr5-141334566-C-T.
Other names: short protein forms E951K.
Identifiers: ClinVar variation 1505594 (VCV001505594.3), dbSNP rs747907583, ClinGen allele CA3484115.
Genomic context (GRCh38, chr5:141,955,001, plus strand): 5'-CCAGAGAAAGAGCTGCCCATGCCCCAGGTACCTGAACAGGAGGAGAATCCACAGTGAGCT[C>T]CTCCACGGGGTTCCGCTCGGCGAAGGCAGCCACAGACAGCCGGACCAGGCTCCGCAGGAT-3'
Protein context (NP_057664.1, residues 941-961): AAFAERNPVE[Glu951Lys]LTVDSPPVQQ

ClinVar aggregate classification (germline): Uncertain significance (1 of 4 stars; one submission).

Allele frequency attached by ClinVar (database versions not stated): ExAC 0.00001; gnomAD 0.00001.
gnomAD v4.1: 3 of 1,613,744 alleles (0.00019%); highest among the groups gnomAD compares: Admixed American, 0.0033%; no homozygotes.

Submission:

Labcorp Genetics (formerly Invitae), Labcorp
Classification: Uncertain significance. Last evaluated: 2022-09-07. Review status: criteria provided, single submitter. Criteria: Invitae Variant Classification Sherloc (09022015). Collection method: clinical testing. Allele origin: germline.
Comment: This sequence change replaces glutamic acid, which is acidic and polar, with lysine, which is basic and polar, at codon 951 of the PCDH12 protein (p.Glu951Lys). This variant is present in population databases (rs747907583, gnomAD 0.006%). This variant has not been reported in the literature in individuals affected with PCDH12-related conditions. ClinVar contains an entry for this variant (Variation ID: 1505594). Advanced modeling of protein sequence and biophysical properties (such as structural, functional, and spatial information, amino acid conservation, physicochemical variation, residue mobility, and thermodynamic stability) performed at Invitae indicates that this missense variant is not expected to disrupt PCDH12 protein function. In summary, the available evidence is currently insufficient to determine the role of this variant in disease. Therefore, it has been classified as a Variant of Uncertain Significance.